The following is an entry in ClinVar:

NM_001142699.3(DLG2):c.41-1G>A

Gene: DLG2 (discs large MAGUK scaffold protein 2; minus strand). Cytogenetic location: 11q14.1.
Variant type: single nucleotide variant.
Coding change: c.41-1G>A on transcript NM_001142699.3 (MANE Select); the canonical splice acceptor site of the intron before coding-DNA position 41, G replaced by A.
Molecular consequence: splice acceptor variant.
Genome position (GRCh38, 1-based): chr11:85,285,366, C>T on the plus strand (G>A on the coding strand, the complement: DLG2 is on the minus strand). VCF-style: chr11-85285366-C-T. GRCh37 (hg19) VCF-style: chr11-84996410-C-T.
Other names: c.152-1G>A (NM_001351274.2, NM_001351275.2).
Identifiers: ClinVar variation 4997165 (VCV004997165.1).

ClinVar aggregate classification (germline): Uncertain significance (1 of 4 stars; one submission).

Conditions:
DLG2-related disorder. Also called: DLG2-related condition.

Submission:

PreventionGenetics, part of Exact Sciences
Classification: Uncertain significance for DLG2-related condition. Last evaluated: 2025-07-08. Review status: criteria provided, single submitter. Criteria: ACMG Guidelines, 2015. Collection method: clinical testing. Allele origin: germline.
Comment: The DLG2 c.41-1G>A variant is predicted to disrupt the AG splice acceptor site and interfere with normal splicing. To our knowledge, this variant has not been reported in the literature or in a large population database (gnomAD), indicating this variant is rare. This variant is interpreted as no interpretation set.